The following is an entry in ClinVar:

NM_001267550.2(TTN):c.49016G>A (p.Arg16339Gln)

Genes: TTN (titin; minus strand), TTN-AS1 (TTN antisense RNA 1; plus strand), LOC126806426 (BRD4-independent group 4 enhancer GRCh37_chr2:179478848-179480047; plus strand). Cytogenetic location: 2q31.2.
Variant type: single nucleotide variant.
Coding change: c.49016G>A on transcript NM_001267550.2 (MANE Select); coding-DNA position 49016, G replaced by A.
Protein change: p.Arg16339Gln; replaces arginine 16339 with glutamine.
Molecular consequence: missense variant. On other transcripts: non-coding transcript variant (1).
Genome position (GRCh38, 1-based): chr2:178,614,498, C>T on the plus strand (G>A on the coding strand, the complement: TTN is on the minus strand). VCF-style: chr2-178614498-C-T. GRCh37 (hg19) VCF-style: chr2-179479225-C-T.
Other names: p.R14698Q:CGG>CAG; c.44093G>A, p.Arg14698Gln (NM_001256850.1); c.21821G>A, p.Arg7274Gln (NM_003319.4); c.41312G>A, p.Arg13771Gln (NM_133378.4); c.22196G>A, p.Arg7399Gln (NM_133432.3); c.22397G>A, p.Arg7466Gln (NM_133437.4); short protein forms R14698Q, R16339Q, R13771Q, R7466Q, R7399Q, R7274Q.
Identifiers: ClinVar variation 202672 (VCV000202672.7), dbSNP rs558487304, ClinGen allele CA309938.

ClinVar aggregate classification (germline): Uncertain significance. Review status: criteria provided, multiple submitters, no conflicts (2 of 4 stars). 3 submissions from 3 submitters: Uncertain significance (3). Last evaluated 2024-05-28.

Conditions:
Dilated cardiomyopathy 1G (CMD1G). Identifiers: Orphanet 154, MedGen C1858763, MONDO:0011400, OMIM 604145.
Autosomal recessive limb-girdle muscular dystrophy type 2J (LGMDR10). Also called: MUSCULAR DYSTROPHY, LIMB-GIRDLE, AUTOSOMAL RECESSIVE 10; Limb-girdle muscular dystrophy, type 2J. Identifiers: Orphanet 140922, MedGen C1837342, MONDO:0012127, OMIM 608807.

Allele frequency attached by ClinVar (database versions not stated): ExAC 0.00001; gnomAD 0.00001; TOPMed 0.00001; gnomAD exomes 0.00002.

Submissions (3):

Revvity Omics, Revvity
Classification: Uncertain significance. Last evaluated: 2024-05-28. Review status: criteria provided, single submitter. Criteria: ACMG Guidelines, 2015. Collection method: clinical testing. Allele origin: germline.

Labcorp Genetics (formerly Invitae), Labcorp
Classification: Uncertain significance for Dilated cardiomyopathy 1G; Autosomal recessive limb-girdle muscular dystrophy type 2J. Last evaluated: 2022-07-22. Review status: criteria provided, single submitter. Criteria: Invitae Variant Classification Sherloc (09022015). Collection method: clinical testing. Allele origin: germline.
Comment: This sequence change replaces arginine, which is basic and polar, with glutamine, which is neutral and polar, at codon 16339 of the TTN protein (p.Arg16339Gln). This variant is present in population databases (rs558487304, gnomAD 0.01%). This variant has not been reported in the literature in individuals affected with TTN-related conditions. ClinVar contains an entry for this variant (Variation ID: 202672). Experimental studies and prediction algorithms are not available or were not evaluated, and the functional significance of this variant is currently unknown. Algorithms developed to predict the effect of sequence changes on RNA splicing suggest that this variant may create or strengthen a splice site. This variant is located in the A band of TTN (PMID: 25589632). Variants in this region may be relevant for cardiac or neuromuscular disorders (PMID: 25589632, 23975875). In summary, the available evidence is currently insufficient to determine the role of this variant in disease. Therefore, it has been classified as a Variant of Uncertain Significance.

GeneDx
Classification: Uncertain significance. Last evaluated: 2014-08-18. Review status: criteria provided, single submitter. Criteria: GeneDx Variant Classification (06012015). Collection method: clinical testing. Allele origin: germline. Affected: yes.
Comment: Missense variants in the TTN gene are considered 'unclassified' if they are not previously reported in the literature and do not have >1% frequency in the population to be considered a polymorphism. Research indicates that truncating mutations in the TTN gene are expected to account for approximately 25% of familial and 18% of sporadic idiopathic DCM; however, truncating variants in the TTN gene have been reported in approximately 3% of reported control alleles. There has been little investigation into non-truncating variants. (Herman D et al. Truncations of titin causing dilated cardiomyopathy. N Eng J Med 366:619-628, 2012) The variant is found in DCM-CRDM panel(s).

Literature cited by the submitters: PubMed 25589632 (cited by Labcorp Genetics (formerly Invitae), Labcorp); PubMed 23975875 (cited by Labcorp Genetics (formerly Invitae), Labcorp).